The following is an entry in ClinVar:

NM_000395.3(CSF2RB):c.2068G>A (p.Asp690Asn)

Gene: CSF2RB (colony stimulating factor 2 receptor subunit beta; plus strand). Cytogenetic location: 22q12.3.
Variant type: single nucleotide variant.
Coding change: c.2068G>A on transcript NM_000395.3 (MANE Select); coding-DNA position 2068, G replaced by A.
Protein change: p.Asp690Asn; replaces aspartic acid 690 with asparagine.
Molecular consequence: missense variant.
Genome position (GRCh38, 1-based): chr22:36,937,876, G>A. VCF-style: chr22-36937876-G-A. GRCh37 (hg19) VCF-style: chr22-37333918-G-A.
Other names: c.2068G>A (NM_000395.2); short protein forms D690N.
Identifiers: ClinVar variation 1520111 (VCV001520111.9), dbSNP rs140971174, ClinGen allele CA10214031.

ClinVar aggregate classification (germline): Uncertain significance. Review status: criteria provided, multiple submitters, no conflicts (2 of 4 stars). 2 submissions from 2 submitters: Uncertain significance (2). Last evaluated 2025-06-10.

Conditions:
Inborn genetic diseases. Identifiers: MedGen C0950123, MeSH D030342.

Allele frequency attached by ClinVar (database versions not stated): gnomAD exomes below 0.00001; ExAC 0.00001; TOPMed 0.00002; gnomAD 0.00003; ESP Exome Variant Server 0.00008.
gnomAD v4.1: 6 of 1,613,970 alleles (0.00037%); highest among the groups gnomAD compares: African/African-American, 0.0067%; no homozygotes.

Submissions (2):

Ambry Genetics
Classification: Uncertain significance for Inborn genetic diseases. Last evaluated: 2025-06-10. Review status: criteria provided, single submitter. Criteria: Ambry Variant Classification Scheme 2023. Collection method: clinical testing. Allele origin: germline.

Labcorp Genetics (formerly Invitae), Labcorp
Classification: Uncertain significance. Last evaluated: 2021-02-03. Review status: criteria provided, single submitter. Criteria: Invitae Variant Classification Sherloc (09022015). Collection method: clinical testing. Allele origin: germline.
Comment: This sequence change replaces aspartic acid with asparagine at codon 690 of the CSF2RB protein (p.Asp690Asn). The aspartic acid residue is moderately conserved and there is a small physicochemical difference between aspartic acid and asparagine. This variant is present in population databases (rs140971174, ExAC 0.01%). This variant has not been reported in the literature in individuals with CSF2RB-related conditions. Algorithms developed to predict the effect of missense changes on protein structure and function output the following: SIFT: "Deleterious"; PolyPhen-2: "Benign"; Align-GVGD: "Class C0". The asparagine amino acid residue is found in multiple mammalian species, suggesting that this missense change does not adversely affect protein function. These predictions have not been confirmed by published functional studies and their clinical significance is uncertain. In summary, the available evidence is currently insufficient to determine the role of this variant in disease. Therefore, it has been classified as a Variant of Uncertain Significance.